The following is an entry in ClinVar:

ClinVar aggregate classification (germline): Conflicting classifications of pathogenicity. Review status: criteria provided, conflicting classifications (1 of 4 stars). 5 submissions from 5 submitters: Uncertain significance (3); Likely benign (2). Last evaluated 2025-09-21.

Conditions:
Tuberous sclerosis 1 (TSC1). Identifiers: Orphanet 805, MedGen C1854465, MONDO:0008612, OMIM 191100.
TSC1-related disorder. Also called: TSC1-related condition.
Hereditary cancer-predisposing syndrome. Also called: Hereditary neoplastic syndrome; Hereditary Cancer Syndrome; Neoplastic Syndromes, Hereditary; Tumor predisposition. Identifiers: Orphanet 140162, MedGen C0027672, MeSH D009386, MONDO:0015356.

Allele frequency attached by ClinVar (database versions not stated): gnomAD exomes below 0.00001; ExAC 0.00001; gnomAD 0.00001; TOPMed 0.00002; 1000 Genomes Project 30x 0.00016; 1000 Genomes Project 0.00020.
gnomAD v4.1: 3 of 1,614,226 alleles (0.00019%); highest among the groups gnomAD compares: African/African-American, 0.004%; no homozygotes.

Submissions (5):

Ambry Genetics
Classification: Uncertain significance for Hereditary cancer-predisposing syndrome. Last evaluated: 2025-09-21. Review status: criteria provided, single submitter. Criteria: Ambry Variant Classification Scheme 2023. Collection method: clinical testing. Allele origin: germline.
Comment: The p.P601L variant (also known as c.1802C>T), located in coding exon 13 of the TSC1 gene, results from a C to T substitution at nucleotide position 1802. The proline at codon 601 is replaced by leucine, an amino acid with similar properties. This amino acid position is not well conserved in available vertebrate species. In addition, this alteration is predicted to be tolerated by in silico analysis. Since supporting evidence is limited at this time, the clinical significance of this alteration remains unclear.

Labcorp Genetics (formerly Invitae), Labcorp
Classification: Likely benign for Tuberous sclerosis 1. Last evaluated: 2025-06-30. Review status: criteria provided, single submitter. Criteria: Invitae Variant Classification Sherloc (09022015). Collection method: clinical testing. Allele origin: germline.

PreventionGenetics, part of Exact Sciences
Classification: Uncertain significance for TSC1-related condition. Last evaluated: 2025-04-10. Review status: criteria provided, single submitter. Criteria: ACMG Guidelines, 2015. Collection method: clinical testing. Allele origin: germline.
Comment: The TSC1 c.1802C>T variant is predicted to result in the amino acid substitution p.Pro601Leu. To our knowledge, this variant has not been reported in the literature. This variant is reported in 0.0062% of alleles in individuals of African descent in gnomAD and has conflicting interpretations regarding its pathogenicity in ClinVar, ranging from uncertain significance to likely benign. Although we suspect that this variant may be benign, at this time, the clinical significance of this variant is uncertain due to the absence of conclusive functional and genetic evidence.

Genome-Nilou Lab
Classification: Uncertain significance for Tuberous sclerosis 1. Last evaluated: 2021-11-07. Review status: criteria provided, single submitter. Criteria: ACMG Guidelines, 2015. Collection method: clinical testing. Allele origin: germline. Affected: no.

GeneDx
Classification: Likely benign. Last evaluated: 2018-02-20. Review status: criteria provided, single submitter. Criteria: GeneDx Variant Classification (06012015). Collection method: clinical testing. Allele origin: germline. Affected: yes.
Comment: This variant is considered likely benign or benign based on one or more of the following criteria: it is a conservative change, it occurs at a poorly conserved position in the protein, it is predicted to be benign by multiple in silico algorithms, and/or has population frequency not consistent with disease.

NM_000368.5(TSC1):c.1802C>T (p.Pro601Leu)

Gene: TSC1 (TSC complex subunit 1; minus strand). Cytogenetic location: 9q34.13.
Variant type: single nucleotide variant.
Coding change: c.1802C>T on transcript NM_000368.5 (MANE Select); coding-DNA position 1802, C replaced by T.
Protein change: p.Pro601Leu; replaces proline 601 with leucine.
Molecular consequence: missense variant.
Genome position (GRCh38, 1-based): chr9:132,905,776, G>A on the plus strand (C>T on the coding strand, the complement: TSC1 is on the minus strand). VCF-style: chr9-132905776-G-A. GRCh37 (hg19) VCF-style: chr9-135781163-G-A.
Other names: c.1799C>T, p.Pro600Leu (NM_001162426.2); c.1649C>T, p.Pro550Leu (NM_001162427.2); c.1439C>T, p.Pro480Leu (NM_001362177.2); short protein forms P601L, P480L, P550L, P600L.
Identifiers: ClinVar variation 514704 (VCV000514704.18), dbSNP rs543077026, ClinGen allele CA029825.